The following is an entry in ClinVar:

ClinVar aggregate classification (germline): other (0 of 4 stars; one submission).

Conditions:
Familial colorectal cancer. Identifiers: MedGen CN280943, MONDO:0023113. Disease mechanism: loss of function.

Submission:

Systems Biology Platform Zhejiang California International NanoSystems Institute
Classification: other for Familial colorectal cancer. Review status: no assertion criteria provided. Collection method: not provided. Allele origin: unknown.
ClinVar note: Converted during submission from cancer to other.

NM_000038.6(APC):c.645+5030A>G

Gene: APC (APC regulator of WNT signaling pathway; plus strand). Cytogenetic location: 5q22.2.
Variant type: single nucleotide variant.
Coding change: c.645+5030A>G on transcript NM_000038.6 (MANE Select); 5030 bases into the intron after coding-DNA position 645, A replaced by G.
Molecular consequence: intron variant.
Genome position (GRCh38, 1-based): chr5:112,785,933, A>G. VCF-style: chr5-112785933-A-G. GRCh37 (hg19) VCF-style: chr5-112121630-A-G.
Other names: c.645+5030A>G (NM_001354895.2, NM_001127510.3, NM_001354896.2 and 2 more transcripts); c.675+5030A>G (NM_001354897.2, NM_001354902.2, NM_001127511.3); c.570+5030A>G (NM_001354898.2, NM_001354904.2); c.-391+5030A>G (NM_001354906.2); c.468+5030A>G (NM_001354900.2, NM_001354901.2, NM_001354905.2).
Identifiers: ClinVar variation 82455 (VCV000082455.2), dbSNP rs74436805, ClinGen allele CA011546.